The following is an entry in ClinVar:

NM_001283009.2(RTEL1):c.3669A>C (p.Arg1223Ser)

Genes: RTEL1 (regulator of telomere elongation helicase 1; plus strand), RTEL1-TNFRSF6B (RTEL1-TNFRSF6B readthrough (NMD candidate); plus strand). Cytogenetic location: 20q13.33.
Variant type: single nucleotide variant.
Coding change: c.3669A>C on transcript NM_001283009.2 (MANE Select); coding-DNA position 3669, A replaced by C.
Protein change: p.Arg1223Ser; replaces arginine 1223 with serine.
Molecular consequence: missense variant. On other transcripts: non-coding transcript variant (1), intron variant (3).
Genome position (GRCh38, 1-based): chr20:63,695,497, A>C. VCF-style: chr20-63695497-A-C. GRCh37 (hg19) VCF-style: chr20-62326850-A-C.
Other names: c.2983+17A>C (NM_001283010.1); c.3724+17A>C (NM_032957.5); c.3652+17A>C (NM_016434.4); short protein forms R1223S.
Identifiers: ClinVar variation 4157679 (VCV004157679.1).
Genomic context (GRCh38, chr20:63,695,497, plus strand): 5'-CCAGTCCTCAGGACCTCCCCACGGGCCTGCAGCATCTGAGTGGGGTGAGCCTCATGGGAG[A>C]GACATCGCTGGGCAGCAGGCCACGGGAGCTCCGGGCGGGCCCCTCTCAGCAGGCTGTGTG-3'
Protein context (NP_001269938.1, residues 1213-1233): AASEWGEPHG[Arg1223Ser]DIAGQQATGA

ClinVar aggregate classification (germline): Uncertain significance (1 of 4 stars; one submission).

Conditions:
Inborn genetic diseases. Identifiers: MedGen C0950123, MeSH D030342.

Submission:

Ambry Genetics
Classification: Uncertain significance for Inborn genetic diseases. Last evaluated: 2025-08-20. Review status: criteria provided, single submitter. Criteria: Ambry Variant Classification Scheme 2023. Collection method: clinical testing. Allele origin: germline.
Comment: The p.R1223S variant (also known as c.3669A>C), located in coding exon 33 of the RTEL1 gene, results from an A to C substitution at nucleotide position 3669. The arginine at codon 1223 is replaced by serine, an amino acid with dissimilar properties. This amino acid position is conserved. In addition, this alteration is predicted to be tolerated by in silico analysis. Based on the available evidence, the clinical significance of this variant remains unclear.